The following is an entry in ClinVar:

NM_201384.3(PLEC):c.7203G>C (p.Glu2401Asp)

Gene: PLEC (plectin; minus strand). Cytogenetic location: 8q24.3.
Variant type: single nucleotide variant.
Coding change: c.7203G>C on transcript NM_201384.3 (MANE Select); coding-DNA position 7203, G replaced by C.
Protein change: p.Glu2401Asp; replaces glutamic acid 2401 with aspartic acid.
Molecular consequence: missense variant.
Genome position (GRCh38, 1-based): chr8:143,922,726, C>G on the plus strand (G>C on the coding strand, the complement: PLEC is on the minus strand). VCF-style: chr8-143922726-C-G. GRCh37 (hg19) VCF-style: chr8-144996894-C-G.
Other names: c.7284G>C, p.Glu2428Asp (NM_000445.5); c.7161G>C, p.Glu2387Asp (NM_201378.4); c.7137G>C, p.Glu2379Asp (NM_201379.3); c.7614G>C, p.Glu2538Asp (NM_201380.4); c.7107G>C, p.Glu2369Asp (NM_201381.3); c.7203G>C, p.Glu2401Asp (NM_201382.4); c.7215G>C, p.Glu2405Asp (NM_201383.3); short protein forms E2401D, E2405D, E2387D, E2538D, E2369D, E2379D, E2428D.
Identifiers: ClinVar variation 1523137 (VCV001523137.6), dbSNP rs1490394365, ClinGen allele CA372529014.

ClinVar aggregate classification (germline): Uncertain significance (1 of 4 stars; one submission).

Conditions:
Epidermolysis bullosa simplex 5B, with muscular dystrophy (EBS5B). Also called: EPIDERMOLYSIS BULLOSA SIMPLEX AND LIMB-GIRDLE MUSCULAR DYSTROPHY; Epidermolysis bullosa simplex with muscular dystrophy. Identifiers: Orphanet 257, MedGen C2931072, MONDO:0009181, OMIM 226670.
Epidermolysis bullosa simplex with nail dystrophy (EBS5D). Identifiers: MedGen C4225309, MONDO:0014661, OMIM 616487.
Epidermolysis bullosa simplex, Ogna type (EBS5A). Also called: Pidermolysis bullosa simplex 5A, Ogna type; EPIDERMOLYSIS BULLOSA SIMPLEX 5A, OGNA TYPE. Identifiers: Orphanet 79401, MedGen C0432317, MONDO:0007555, OMIM 131950.
Epidermolysis bullosa simplex 5C, with pyloric atresia (EBS5C). Also called: PLEC-Related Epidermolysis Bullosa with Pyloric Atresia; Epidermolysis bullosa simplex with pyloric atresia; PLEC1-Related Epidermolysis Bullosa with Pyloric Atresia. Identifiers: Orphanet 158684, MedGen C2677349, MONDO:0012807, OMIM 612138.
Autosomal recessive limb-girdle muscular dystrophy type 2Q (LGMDR17). Also called: MUSCULAR DYSTROPHY, LIMB-GIRDLE, AUTOSOMAL RECESSIVE 17. Identifiers: Orphanet 254361, MedGen C3150989, MONDO:0013390, OMIM 613723.

Allele frequency attached by ClinVar (database versions not stated): gnomAD exomes below 0.00001; TOPMed below 0.00001; gnomAD 0.00001.
gnomAD v4.1: 2 of 1,611,544 alleles (0.00012%); highest among the groups gnomAD compares: East Asian, 0.0022%; no homozygotes.

Submission:

Labcorp Genetics (formerly Invitae), Labcorp
Classification: Uncertain significance for Autosomal recessive limb-girdle muscular dystrophy type 2Q; Epidermolysis bullosa simplex, Ogna type; Epidermolysis bullosa simplex with nail dystrophy; Epidermolysis bullosa simplex 5C, with pyloric atresia; Epidermolysis bullosa simplex 5B, with muscular dystrophy. Last evaluated: 2024-02-17. Review status: criteria provided, single submitter. Criteria: Invitae Variant Classification Sherloc (09022015). Collection method: clinical testing. Allele origin: germline.
Comment: This sequence change replaces glutamic acid, which is acidic and polar, with aspartic acid, which is acidic and polar, at codon 2428 of the PLEC protein (p.Glu2428Asp). This variant is not present in population databases (gnomAD no frequency). This variant has not been reported in the literature in individuals affected with PLEC-related conditions. ClinVar contains an entry for this variant (Variation ID: 1523137). Advanced modeling of protein sequence and biophysical properties (such as structural, functional, and spatial information, amino acid conservation, physicochemical variation, residue mobility, and thermodynamic stability) performed at Invitae indicates that this missense variant is not expected to disrupt PLEC protein function with a negative predictive value of 80%. In summary, the available evidence is currently insufficient to determine the role of this variant in disease. Therefore, it has been classified as a Variant of Uncertain Significance.